The following is an entry in ClinVar:

ClinVar aggregate classification (germline): Uncertain significance (1 of 4 stars; one submission).

Allele frequency attached by ClinVar (database versions not stated): gnomAD 0.00001; gnomAD exomes below 0.00001; TOPMed below 0.00001.
gnomAD v4.1: 5 of 1,614,002 alleles (0.00031%); highest among the groups gnomAD compares: Middle Eastern, 0.016%; no homozygotes.

Submission:

Ambry Genetics
Classification: Uncertain significance. Last evaluated: 2025-09-19. Review status: criteria provided, single submitter. Criteria: Ambry Variant Classification Scheme 2023. Collection method: clinical testing. Allele origin: germline.
Comment: The p.D231N variant (also known as c.691G>A), located in coding exon 1 of the EGLN1 gene, results from a G to A substitution at nucleotide position 691. The aspartic acid at codon 231 is replaced by asparagine, an amino acid with highly similar properties. This amino acid position is conserved. In addition, this alteration is predicted to be tolerated by in silico analysis. Since supporting evidence is limited at this time, the clinical significance of this alteration remains unclear.

NM_022051.3(EGLN1):c.691G>A (p.Asp231Asn)

Gene: EGLN1 (egl-9 family hypoxia inducible factor 1; minus strand). Cytogenetic location: 1q42.2.
Variant type: single nucleotide variant.
Coding change: c.691G>A on transcript NM_022051.3 (MANE Select); coding-DNA position 691, G replaced by A.
Protein change: p.Asp231Asn; replaces aspartic acid 231 with asparagine.
Molecular consequence: missense variant.
Genome position (GRCh38, 1-based): chr1:231,421,198, C>T on the plus strand (G>A on the coding strand, the complement: EGLN1 is on the minus strand). VCF-style: chr1-231421198-C-T. GRCh37 (hg19) VCF-style: chr1-231556944-C-T.
Other names: c.691G>A, p.Asp231Asn (NM_001377260.1, NM_001377261.1); short protein forms D231N.
Identifiers: ClinVar variation 1756163 (VCV001756163.3), dbSNP rs1256620927, ClinGen allele CA345235855.